The following is an entry in ClinVar:

ClinVar aggregate classification (germline): Uncertain significance. Review status: criteria provided, multiple submitters, no conflicts (2 of 4 stars). 2 submissions from 2 submitters: Uncertain significance (2). Last evaluated 2026-03-11.

Conditions:
Inborn genetic diseases. Identifiers: MedGen C0950123, MeSH D030342.

Allele frequency attached by ClinVar (database versions not stated): TOPMed 0.00003; gnomAD 0.00005; gnomAD exomes 0.00005 and 0.00022.
gnomAD v4.1: 60 of 1,196,436 alleles (0.005%); highest among the groups gnomAD compares: African/African-American, 0.0068%; no homozygotes.

Submissions (2):

Ambry Genetics
Classification: Uncertain significance for Inborn genetic diseases. Last evaluated: 2026-03-11. Review status: criteria provided, single submitter. Criteria: Ambry Variant Classification Scheme 2023. Collection method: clinical testing. Allele origin: germline.

GeneDx
Classification: Uncertain significance. Last evaluated: 2024-07-11. Review status: criteria provided, single submitter. Criteria: GeneDx Variant Classification Process June 2021. Collection method: clinical testing. Allele origin: germline. Affected: yes.
Comment: In silico analysis supports that this missense variant has a deleterious effect on protein structure/function; In silico analysis suggests this variant may impact gene splicing. In the absence of RNA/functional studies, the actual effect of this sequence change is unknown.; Has not been previously published as pathogenic or benign to our knowledge

NM_001170535.3(ATAD3A):c.185C>T (p.Ala62Val)

Gene: ATAD3A (ATPase family AAA domain containing 3A; plus strand). Cytogenetic location: 1p36.33.
Variant type: single nucleotide variant.
Coding change: c.185C>T on transcript NM_001170535.3 (MANE Select); coding-DNA position 185, C replaced by T.
Protein change: p.Ala62Val; replaces alanine 62 with valine.
Molecular consequence: missense variant.
Genome position (GRCh38, 1-based): chr1:1,512,453, C>T. VCF-style: chr1-1512453-C-T. GRCh37 (hg19) VCF-style: chr1-1447833-C-T.
Other names: c.185C>T, p.Ala62Val (NM_018188.5); c.185C>T (NM_018188.3); short protein forms A62V.
Identifiers: ClinVar variation 1304465 (VCV001304465.6), dbSNP rs1399821974, ClinGen allele CA337846759.